The following is an entry in ClinVar:

ClinVar aggregate classification (germline): Uncertain significance (1 of 4 stars; one submission).

Conditions:
Inborn genetic diseases. Identifiers: MedGen C0950123, MeSH D030342.

Submission:

Ambry Genetics
Classification: Uncertain significance for Inborn genetic diseases. Last evaluated: 2025-06-14. Review status: criteria provided, single submitter. Criteria: Ambry Variant Classification Scheme 2023. Collection method: clinical testing. Allele origin: germline.
Comment: The p.V590L variant (also known as c.1768G>C), located in coding exon 20 of the RTEL1 gene, results from a G to C substitution at nucleotide position 1768. The valine at codon 590 is replaced by leucine, an amino acid with highly similar properties. This amino acid position is conserved. In addition, the in silico prediction for this alteration is inconclusive. Based on the available evidence, the clinical significance of this variant remains unclear.

NM_001283009.2(RTEL1):c.1768G>C (p.Val590Leu)

Genes: RTEL1 (regulator of telomere elongation helicase 1; plus strand), RTEL1-TNFRSF6B (RTEL1-TNFRSF6B readthrough (NMD candidate); plus strand). Cytogenetic location: 20q13.33.
Variant type: single nucleotide variant.
Coding change: c.1768G>C on transcript NM_001283009.2 (MANE Select); coding-DNA position 1768, G replaced by C.
Protein change: p.Val590Leu; replaces valine 590 with leucine.
Molecular consequence: missense variant. On other transcripts: non-coding transcript variant (1).
Genome position (GRCh38, 1-based): chr20:63,688,573, G>C. VCF-style: chr20-63688573-G-C. GRCh37 (hg19) VCF-style: chr20-62319926-G-C.
Other names: c.1099G>C, p.Val367Leu (NM_001283010.1); c.1768G>C, p.Val590Leu (NM_016434.4); c.1840G>C, p.Val614Leu (NM_032957.5); short protein forms V590L, V367L, V614L.
Identifiers: ClinVar variation 3948495 (VCV003948495.1).
Genomic context (GRCh38, chr20:63,688,573, plus strand): 5'-CTCTTCCTCCCACAGGCCCGCGACTTGGCCAGGAAGATGGAGGCGCTGAAGCCGCTGTTT[G>C]TGGAGCCCAGGAGCAAAGGCAGCTTCTCCGAGGTCGGCACTTGGCCGGGGCTCTGGGCCT-3'
Protein context (NP_001269938.1, residues 580-600): RKMEALKPLF[Val590Leu]EPRSKGSFSE